The following is an entry in ClinVar:

NM_000213.5(ITGB4):c.915G>A (p.Pro305=)

Gene: ITGB4 (integrin subunit beta 4; plus strand). Cytogenetic location: 17q25.1.
Variant type: single nucleotide variant.
Coding change: c.915G>A on transcript NM_000213.5 (MANE Select); coding-DNA position 915, G replaced by A.
Protein change: p.Pro305=; no amino-acid change (proline 305 retained).
Molecular consequence: synonymous variant.
Genome position (GRCh38, 1-based): chr17:75,730,417, G>A. VCF-style: chr17-75730417-G-A. GRCh37 (hg19) VCF-style: chr17-73726498-G-A.
Other names: c.915G>A, p.Pro305= (NM_001005619.2, NM_001005731.3, NM_001321123.2).
Identifiers: ClinVar variation 2896097 (VCV002896097.20), dbSNP rs753828309, ClinGen allele CA8768805.

ClinVar aggregate classification (germline): Benign/Likely benign. Review status: criteria provided, multiple submitters, no conflicts (2 of 4 stars). 2 submissions from 2 submitters: Benign (1); Likely benign (1). Last evaluated 2024-07-01.

Allele frequency attached by ClinVar (database versions not stated): TOPMed 0.00001; gnomAD 0.00003; gnomAD exomes 0.00005; ExAC 0.00008.

Submissions (2):

CeGaT Center for Human Genetics Tuebingen
Classification: Likely benign. Last evaluated: 2024-07-01. Review status: criteria provided, single submitter. Criteria: CeGaT Center For Human Genetics Tuebingen Variant Classification Criteria Version 2. Collection method: clinical testing. Allele origin: germline. Affected: yes. Observed: 1 variant allele.
Comment: ITGB4: BP4, BP7

Labcorp Genetics (formerly Invitae), Labcorp
Classification: Benign. Last evaluated: 2023-10-29. Review status: criteria provided, single submitter. Criteria: Invitae Variant Classification Sherloc (09022015). Collection method: clinical testing. Allele origin: germline.